The following is an entry in ClinVar:

ClinVar aggregate classification (germline): Uncertain significance (1 of 4 stars; one submission).

Conditions:
Capillary malformation-arteriovenous malformation syndrome. Also called: Capillary malformation-arteriovenous malformation. Identifiers: Orphanet 137667, MedGen C1842180, MONDO:0012016.

Submission:

Labcorp Genetics (formerly Invitae), Labcorp
Classification: Uncertain significance for Capillary malformation-arteriovenous malformation syndrome. Last evaluated: 2025-10-04. Review status: criteria provided, single submitter. Criteria: Invitae Variant Classification Sherloc (09022015). Collection method: clinical testing. Allele origin: germline.
Comment: This sequence change replaces proline, which is neutral and non-polar, with leucine, which is neutral and non-polar, at codon 912 of the RASA1 protein (p.Pro912Leu). This variant is not present in population databases (gnomAD no frequency). This variant has not been reported in the literature in individuals affected with RASA1-related conditions. An algorithm developed to predict the effect of missense changes on protein structure and function (PolyPhen-2) suggests that this variant is likely to be disruptive. In summary, the available evidence is currently insufficient to determine the role of this variant in disease. Therefore, it has been classified as a Variant of Uncertain Significance.

NM_002890.3(RASA1):c.2735C>T (p.Pro912Leu)

Genes: CCNH (cyclin H; minus strand), RASA1 (RAS p21 protein activator 1; plus strand). Cytogenetic location: 5q14.3.
Variant type: single nucleotide variant.
Coding change: c.2735C>T on transcript NM_002890.3 (MANE Select); coding-DNA position 2735, C replaced by T.
Protein change: p.Pro912Leu; replaces proline 912 with leucine.
Molecular consequence: missense variant. On other transcripts: intron variant (1).
Genome position (GRCh38, 1-based): chr5:87,383,757, C>T. VCF-style: chr5-87383757-C-T. GRCh37 (hg19) VCF-style: chr5-86679574-C-T.
Other names: c.2204C>T, p.Pro735Leu (NM_022650.3); c.933+11287G>A (NM_001364075.2); short protein forms P912L, P735L.
Identifiers: ClinVar variation 4727965 (VCV004727965.1).